The following is an entry in ClinVar:

NM_000287.4(PEX6):c.1551G>T (p.Arg517=)

Gene: PEX6 (peroxisomal biogenesis factor 6; minus strand). Cytogenetic location: 6p21.1.
Variant type: single nucleotide variant.
Coding change: c.1551G>T on transcript NM_000287.4 (MANE Select); coding-DNA position 1551, G replaced by T.
Protein change: p.Arg517=; no amino-acid change (arginine 517 retained).
Molecular consequence: synonymous variant. On other transcripts: non-coding transcript variant (1).
Genome position (GRCh38, 1-based): chr6:42,968,427, C>A on the plus strand (G>T on the coding strand, the complement: PEX6 is on the minus strand). VCF-style: chr6-42968427-C-A. GRCh37 (hg19) VCF-style: chr6-42936165-C-A.
Other names: c.1287G>T, p.Arg429= (NM_001316313.2); c.1551G>T (NM_000287.3).
Identifiers: ClinVar variation 1100349 (VCV001100349.10), dbSNP rs766045376, ClinGen allele CA3811298.

ClinVar aggregate classification (germline): Likely benign. Review status: criteria provided, multiple submitters, no conflicts (2 of 4 stars). 2 submissions from 2 submitters: Likely benign (2). Last evaluated 2025-10-06.

Conditions:
PEX6-related disorder. Also called: PEX6-related condition; PEX6-related disorders.
Peroxisome biogenesis disorder. Identifiers: Orphanet 79189, MedGen C1832200, MONDO:0019234. Disease mechanism: loss of function.

Allele frequency attached by ClinVar (database versions not stated): ExAC 0.00002.
gnomAD v4.1: 10 of 1,612,088 alleles (0.00062%); highest among the groups gnomAD compares: African/African-American, 0.012%; no homozygotes.

Submissions (2):

Labcorp Genetics (formerly Invitae), Labcorp
Classification: Likely benign for Peroxisome biogenesis disorder. Last evaluated: 2025-10-06. Review status: criteria provided, single submitter. Criteria: Invitae Variant Classification Sherloc (09022015). Collection method: clinical testing. Allele origin: germline.

PreventionGenetics, part of Exact Sciences
Classification: Likely benign for PEX6-related condition. Last evaluated: 2025-10-06. Review status: criteria provided, single submitter. Criteria: ACMG Guidelines, 2015. Collection method: clinical testing. Allele origin: germline.
Comment: This variant is classified as likely benign based on ACMG/AMP sequence variant interpretation guidelines (Richards et al. 2015 PMID: 25741868, with internal and published modifications).